The following is an entry in ClinVar:

NM_000138.5(FBN1):c.2022G>T (p.Leu674Phe)

Gene: FBN1 (fibrillin 1; minus strand). Cytogenetic location: 15q21.1.
Variant type: single nucleotide variant.
Coding change: c.2022G>T on transcript NM_000138.5 (MANE Select); coding-DNA position 2022, G replaced by T.
Protein change: p.Leu674Phe; replaces leucine 674 with phenylalanine.
Molecular consequence: missense variant.
Genome position (GRCh38, 1-based): chr15:48,503,878, C>A on the plus strand (G>T on the coding strand, the complement: FBN1 is on the minus strand). VCF-style: chr15-48503878-C-A. GRCh37 (hg19) VCF-style: chr15-48796075-C-A.
Other names: short protein forms L674F.
Identifiers: ClinVar variation 1171628 (VCV001171628.11), dbSNP rs794728182, ClinGen allele CA392338485.

ClinVar aggregate classification (germline): Uncertain significance. Review status: criteria provided, multiple submitters, no conflicts (2 of 4 stars). 2 submissions from 2 submitters: Uncertain significance (2). Last evaluated 2024-03-06.

Conditions:
Familial thoracic aortic aneurysm and aortic dissection (TAAD). Also called: Thoracic aortic aneurysms and dissections. Identifiers: Orphanet 91387, MedGen C4707243, MONDO:0019625.
Marfan syndrome (MFS). Also called: Marfan syndrome type 1; Marfan's syndrome; Marfan syndrome, classic; MARFAN SYNDROME, TYPE I; FBN1-Related Marfan Syndrome. Identifiers: Orphanet 284963, Orphanet 558, MedGen C0024796, MONDO:0007947, OMIM 154700.

gnomAD v4.1: 1 of 1,614,198 alleles (0.000062%); highest among the groups gnomAD compares: Non-Finnish European, 0.000085%; no homozygotes.

Submissions (2):

Color Diagnostics, LLC DBA Color Health
Classification: Uncertain significance for Familial thoracic aortic aneurysm and aortic dissection. Last evaluated: 2024-03-06. Review status: criteria provided, single submitter. Criteria: ACMG Guidelines, 2015. Collection method: clinical testing. Allele origin: germline.
Comment: This missense variant replaces leucine with phenylalanine at codon 674 of the FBN1 protein. Computational prediction suggests that this variant may not impact protein structure and function (internally defined REVEL score threshold <= 0.5, PMID: 27666373). To our knowledge, functional studies have not been reported for this variant. This variant has not been reported in individuals affected with cardiovascular disorders in the literature. This variant has not been identified in the general population by the Genome Aggregation Database (gnomAD). The available evidence is insufficient to determine the role of this variant in disease conclusively. Therefore, this variant is classified as a Variant of Uncertain Significance.

Labcorp Genetics (formerly Invitae), Labcorp
Classification: Uncertain significance for Marfan syndrome; Familial thoracic aortic aneurysm and aortic dissection. Last evaluated: 2020-12-26. Review status: criteria provided, single submitter. Criteria: Invitae Variant Classification Sherloc (09022015). Collection method: clinical testing. Allele origin: germline.
Comment: In summary, the available evidence is currently insufficient to determine the role of this variant in disease. Therefore, it has been classified as a Variant of Uncertain Significance. Advanced modeling of protein sequence and biophysical properties (such as structural, functional, and spatial information, amino acid conservation, physicochemical variation, residue mobility, and thermodynamic stability) performed at Invitae indicates that this missense variant is not expected to disrupt FBN1 protein function. This variant has not been reported in the literature in individuals with FBN1-related conditions. This variant is not present in population databases (ExAC no frequency). This sequence change replaces leucine with phenylalanine at codon 674 of the FBN1 protein (p.Leu674Phe). The leucine residue is highly conserved and there is a small physicochemical difference between leucine and phenylalanine.